The following is an entry in ClinVar:

ClinVar aggregate classification (germline): Benign/Likely benign. Review status: criteria provided, multiple submitters, no conflicts (2 of 4 stars). 4 submissions from 4 submitters: Benign (1); Likely benign (3). Last evaluated 2025-05-07.

Conditions:
Hereditary nonpolyposis colorectal neoplasms. Identifiers: MedGen C0009405, MeSH D003123.
Hereditary cancer-predisposing syndrome. Also called: Neoplastic Syndromes, Hereditary; Tumor predisposition; Hereditary Cancer Syndrome; Hereditary neoplastic syndrome. Identifiers: Orphanet 140162, MedGen C0027672, MeSH D009386, MONDO:0015356.
Lynch syndrome 5 (LYNCH5). Also called: Colorectal cancer, hereditary nonpolyposis, type 5; Hereditary non-polyposis colorectal cancer, type 5. Identifiers: Orphanet 144, MedGen C1833477, MONDO:0013710, OMIM 614350. Disease mechanism: loss of function.

Submissions (4):

Labcorp Genetics (formerly Invitae), Labcorp
Classification: Likely benign for Hereditary nonpolyposis colorectal neoplasms. Last evaluated: 2025-05-07. Review status: criteria provided, single submitter. Criteria: Invitae Variant Classification Sherloc (09022015). Collection method: clinical testing. Allele origin: germline.

Myriad Genetics, Inc.
Classification: Benign for Lynch syndrome 5. Last evaluated: 2025-01-06. Review status: criteria provided, single submitter. Criteria: Myriad Autosomal Dominant, Autosomal Recessive and X-Linked Classification Criteria (2023). Collection method: clinical testing. Allele origin: unknown.
Comment: This variant is considered benign. This variant is a silent/synonymous amino acid change and it is not expected to impact splicing.

Ambry Genetics
Classification: Likely benign for Hereditary cancer-predisposing syndrome. Last evaluated: 2019-08-24. Review status: criteria provided, single submitter. Criteria: Ambry Variant Classification Scheme 2023. Collection method: clinical testing. Allele origin: germline.

Color Diagnostics, LLC DBA Color Health
Classification: Likely benign for Hereditary cancer-predisposing syndrome. Last evaluated: 2019-02-28. Review status: criteria provided, single submitter. Criteria: ACMG Guidelines, 2015. Collection method: clinical testing. Allele origin: germline.

NM_000179.3(MSH6):c.3306T>C (p.Thr1102=)

Gene: MSH6 (mutS homolog 6; plus strand). Cytogenetic location: 2p16.3.
Variant type: single nucleotide variant.
Coding change: c.3306T>C on transcript NM_000179.3 (MANE Select); coding-DNA position 3306, T replaced by C.
Protein change: p.Thr1102=; no amino-acid change (threonine 1102 retained).
Molecular consequence: synonymous variant.
Genome position (GRCh38, 1-based): chr2:47,803,553, T>C. VCF-style: chr2-47803553-T-C. GRCh37 (hg19) VCF-style: chr2-48030692-T-C.
Other names: c.2916T>C, p.Thr972= (NM_001281492.2); c.2400T>C, p.Thr800= (NM_001281493.2, NM_001281494.2).
Identifiers: ClinVar variation 921790 (VCV000921790.6), dbSNP rs2020910, ClinGen allele CA426121927.